The following is an entry in ClinVar:

ClinVar aggregate classification (germline): Uncertain significance (1 of 4 stars; one submission).

gnomAD v4.1: 14 of 1,614,208 alleles (0.00087%); highest among the groups gnomAD compares: Non-Finnish European, 0.0012%; no homozygotes.

Submission:

GeneDx
Classification: Uncertain significance. Last evaluated: 2022-01-26. Review status: criteria provided, single submitter. Criteria: GeneDx Variant Classification Process June 2021. Collection method: clinical testing. Allele origin: germline. Affected: yes.
Comment: Not observed at significant frequency in large population cohorts (gnomAD); In silico analysis supports that this missense variant does not alter protein structure/function; Has not been previously published as pathogenic or benign to our knowledge

NM_004366.6(CLCN2):c.2579G>A (p.Ser860Asn)

Gene: CLCN2 (chloride voltage-gated channel 2; minus strand). Cytogenetic location: 3q27.1.
Variant type: single nucleotide variant.
Coding change: c.2579G>A on transcript NM_004366.6 (MANE Select); coding-DNA position 2579, G replaced by A.
Protein change: p.Ser860Asn; replaces serine 860 with asparagine.
Molecular consequence: missense variant.
Genome position (GRCh38, 1-based): chr3:184,346,724, C>T on the plus strand (G>A on the coding strand, the complement: CLCN2 is on the minus strand). VCF-style: chr3-184346724-C-T. GRCh37 (hg19) VCF-style: chr3-184064512-C-T.
Other names: c.2528G>A, p.Ser843Asn (NM_001171087.3); c.2447G>A, p.Ser816Asn (NM_001171088.3); c.2492G>A, p.Ser831Asn (NM_001171089.3); short protein forms S816N, S831N, S843N, S860N.
Identifiers: ClinVar variation 1699753 (VCV001699753.2), dbSNP rs1047220422, ClinGen allele CA88886064.